The following is an entry in ClinVar:

ClinVar aggregate classification (germline): Conflicting classifications of pathogenicity. Review status: criteria provided, conflicting classifications (1 of 4 stars). 4 submissions from 4 submitters: Uncertain significance (2); Likely benign (2). Last evaluated 2025-05-25.

Conditions:
Familial thoracic aortic aneurysm and aortic dissection (TAAD). Also called: Thoracic aortic aneurysms and dissections. Identifiers: Orphanet 91387, MedGen C4707243, MONDO:0019625.
Congenital contractural arachnodactyly (CCA). Also called: Beals-Hecht syndrome; BEALS SYNDROME; Arthrogryposis, distal, type 9. Identifiers: Orphanet 115, MedGen C0220668, MONDO:0007363, OMIM 121050.

Allele frequency attached by ClinVar (database versions not stated): TOPMed 0.00001; ExAC 0.00002; gnomAD exomes 0.00002.
gnomAD v4.1: 20 of 1,614,026 alleles (0.0012%); highest among the groups gnomAD compares: South Asian, 0.0055%; no homozygotes.

Submissions (4):

Ambry Genetics
Classification: Uncertain significance for Familial thoracic aortic aneurysm and aortic dissection. Last evaluated: 2025-05-25. Review status: criteria provided, single submitter. Criteria: Ambry Variant Classification Scheme 2023. Collection method: clinical testing. Allele origin: germline.
Comment: The p.V1601I variant (also known as c.4801G>A), located in coding exon 37 of the FBN2 gene, results from a G to A substitution at nucleotide position 4801. The valine at codon 1601 is replaced by isoleucine, an amino acid with highly similar properties. This amino acid position is well conserved in available vertebrate species. In addition, the in silico prediction for this alteration is inconclusive. Based on the available evidence, the clinical significance of this variant remains unclear.

Labcorp Genetics (formerly Invitae), Labcorp
Classification: Likely benign for Congenital contractural arachnodactyly. Last evaluated: 2025-05-02. Review status: criteria provided, single submitter. Criteria: Invitae Variant Classification Sherloc (09022015). Collection method: clinical testing. Allele origin: germline.

GeneDx
Classification: Uncertain significance. Last evaluated: 2022-08-01. Review status: criteria provided, single submitter. Criteria: GeneDx Variant Classification Process June 2021. Collection method: clinical testing. Allele origin: germline. Affected: yes.
Comment: Has not been previously published as pathogenic or benign to our knowledge; Not observed at significant frequency in large population cohorts (gnomAD); Does not occur within a calcium-binding-EGF-like domain (Callewaert et al., 2009, Frederic et al., 2009); Not located within exons 24-33, where the majority of pathogenic variants reported to date occur (Callewaert et al., 2009; Frederic et al., 2009); In silico analysis supports that this missense variant does not alter protein structure/function; This variant is associated with the following publications: (PMID: 19006240, 18767143, 28569743)

Illumina Laboratory Services, Illumina
Classification: Likely benign for Congenital contractural arachnodactyly. Last evaluated: 2018-01-12. Review status: criteria provided, single submitter. Criteria: ICSL Variant Classification Criteria 13 December 2019. Collection method: clinical testing. Allele origin: germline.
Comment: This variant was observed in the ICSL laboratory as part of a predisposition screen in an ostensibly healthy population. It had not been previously curated by ICSL or reported in the Human Gene Mutation Database (HGMD: prior to June 1st, 2018), and was therefore a candidate for classification through an automated scoring system. Utilizing variant allele frequency, disease prevalence and penetrance estimates, and inheritance mode, an automated score was calculated to assess if this variant is too frequent to cause the disease. Based on the score and internal cut-off values, a variant classified as likely benign is not then subjected to further curation. The score for this variant resulted in a classification of likely benign for this disease.

NM_001999.4(FBN2):c.4801G>A (p.Val1601Ile)

Gene: FBN2 (fibrillin 2; minus strand). Cytogenetic location: 5q23.3.
Variant type: single nucleotide variant.
Coding change: c.4801G>A on transcript NM_001999.4 (MANE Select); coding-DNA position 4801, G replaced by A.
Protein change: p.Val1601Ile; replaces valine 1601 with isoleucine.
Molecular consequence: missense variant.
Genome position (GRCh38, 1-based): chr5:128,312,712, C>T on the plus strand (G>A on the coding strand, the complement: FBN2 is on the minus strand). VCF-style: chr5-128312712-C-T. GRCh37 (hg19) VCF-style: chr5-127648404-C-T.
Other names: short protein forms V1601I.
Identifiers: ClinVar variation 213334 (VCV000213334.22), dbSNP rs762108847, ClinGen allele CA323659.
Genomic context (GRCh38, chr5:128,312,712, plus strand): 5'-ATGTCTCACAGGGGTTTCCCCAGGCCTTTCCCAGAGAGCAGCAGCATGAAGAGCGACTGA[C>T]GCCCACCCCGATCTCGGTGTTGCAAGACAGACTCCCATCTCCTCGAGGTCCAAACTTCAG-3'
Protein context (NP_001990.2, residues 1591-1611): LSCNTEIGVG[Val1601Ile]SRSSCCCSLG